The following is an entry in ClinVar:

ClinVar aggregate classification (germline): Uncertain significance (1 of 4 stars; one submission).

Allele frequency attached by ClinVar (database versions not stated): gnomAD exomes below 0.00001.

Submission:

Labcorp Genetics (formerly Invitae), Labcorp
Classification: Uncertain significance. Last evaluated: 2021-05-28. Review status: criteria provided, single submitter. Criteria: Invitae Variant Classification Sherloc (09022015). Collection method: clinical testing. Allele origin: germline.
Comment: This sequence change replaces phenylalanine with serine at codon 77 of the DNAJC21 protein (p.Phe77Ser). The phenylalanine residue is weakly conserved and there is a large physicochemical difference between phenylalanine and serine. In summary, the available evidence is currently insufficient to determine the role of this variant in disease. Therefore, it has been classified as a Variant of Uncertain Significance. Algorithms developed to predict the effect of missense changes on protein structure and function (SIFT, PolyPhen-2, Align-GVGD) all suggest that this variant is likely to be tolerated, but these predictions have not been confirmed by published functional studies and their clinical significance is uncertain. This variant has not been reported in the literature in individuals with DNAJC21-related conditions. This variant is not present in population databases (ExAC no frequency).

NM_001012339.3(DNAJC21):c.230T>C (p.Phe77Ser)

Gene: DNAJC21 (DnaJ heat shock protein family (Hsp40) member C21; plus strand). Cytogenetic location: 5p13.2.
Variant type: single nucleotide variant.
Coding change: c.230T>C on transcript NM_001012339.3 (MANE Select); coding-DNA position 230, T replaced by C.
Protein change: p.Phe77Ser; replaces phenylalanine 77 with serine.
Molecular consequence: missense variant.
Genome position (GRCh38, 1-based): chr5:34,935,748, T>C. VCF-style: chr5-34935748-T-C. GRCh37 (hg19) VCF-style: chr5-34935853-T-C.
Other names: c.230T>C, p.Phe77Ser (NM_001348420.2, NM_194283.4); short protein forms F77S.
Identifiers: ClinVar variation 1357982 (VCV001357982.8), dbSNP rs1310060446, ClinGen allele CA359413094.
Genomic context (GRCh38, chr5:34,935,748, plus strand): 5'-GATGCTAATTTTTGTTTTTCAGGTATGATAATCATAGAGAGGCCCTACTTAAAGGTGGGT[T>C]TGATGGCGAATATCAAGATGACAGCTTAGATTTGCTACGCTATTTCACCGTTACCTGTTA-3'
Protein context (NP_001012339.2, residues 67-87): NHREALLKGG[Phe77Ser]DGEYQDDSLD